The following is an entry in ClinVar:

ClinVar aggregate classification (germline): Uncertain significance (1 of 4 stars; one submission).

Conditions:
Retinoblastoma (RB1). Also called: RETINOBLASTOMA, SOMATIC. Identifiers: Orphanet 790, MedGen C0035335, MeSH D012175, MONDO:0008380, OMIM 180200, HP:0009919. Disease mechanism: loss of function. Inheritance: Both sporadic and heritable forms are tested..

Allele frequency attached by ClinVar (database versions not stated): ExAC 0.00001.
gnomAD v4.1: 1 of 1,613,854 alleles (0.000062%); highest among the groups gnomAD compares: Non-Finnish European, 0.000085%; no homozygotes.

Submission:

Labcorp Genetics (formerly Invitae), Labcorp
Classification: Uncertain significance for Retinoblastoma. Last evaluated: 2024-01-29. Review status: criteria provided, single submitter. Criteria: Invitae Variant Classification Sherloc (09022015). Collection method: clinical testing. Allele origin: germline.
Comment: This sequence change replaces proline, which is neutral and non-polar, with leucine, which is neutral and non-polar, at codon 786 of the RB1 protein (p.Pro786Leu). This variant is present in population databases (rs778755215, gnomAD 0.0009%). This variant has not been reported in the literature in individuals affected with RB1-related conditions. Advanced modeling of protein sequence and biophysical properties (such as structural, functional, and spatial information, amino acid conservation, physicochemical variation, residue mobility, and thermodynamic stability) performed at Invitae indicates that this missense variant is not expected to disrupt RB1 protein function with a negative predictive value of 80%. In summary, the available evidence is currently insufficient to determine the role of this variant in disease. Therefore, it has been classified as a Variant of Uncertain Significance.

NM_000321.3(RB1):c.2357C>T (p.Pro786Leu)

Gene: RB1 (RB transcriptional corepressor 1; plus strand). Cytogenetic location: 13q14.2.
Variant type: single nucleotide variant.
Coding change: c.2357C>T on transcript NM_000321.3 (MANE Select); coding-DNA position 2357, C replaced by T.
Protein change: p.Pro786Leu; replaces proline 786 with leucine.
Molecular consequence: missense variant.
Genome position (GRCh38, 1-based): chr13:48,465,236, C>T. VCF-style: chr13-48465236-C-T. GRCh37 (hg19) VCF-style: chr13-49039372-C-T.
Other names: c.2357C>T, p.Pro786Leu (NM_001407165.1); short protein forms P786L.
Identifiers: ClinVar variation 2729686 (VCV002729686.3), dbSNP rs778755215, ClinGen allele CA035346.
Genomic context (GRCh38, chr13:48,465,236, plus strand): 5'-AATAATCTACTTTTTTGTTTTTGCTCTAGCCCCCTACCTTGTCACCAATACCTCACATTC[C>T]TCGAAGCCCTTACAAGTTTCCTAGTTCACCCTTACGGATTCCTGGAGGGAACATCTATAT-3'
Protein context (NP_000312.2, residues 776-796): PPTLSPIPHI[Pro786Leu]RSPYKFPSSP